The following is an entry in ClinVar:

NM_201384.3(PLEC):c.11845G>C (p.Val3949Leu)

Gene: PLEC (plectin; minus strand). Cytogenetic location: 8q24.3.
Variant type: single nucleotide variant.
Coding change: c.11845G>C on transcript NM_201384.3 (MANE Select); coding-DNA position 11845, G replaced by C.
Protein change: p.Val3949Leu; replaces valine 3949 with leucine.
Molecular consequence: missense variant.
Genome position (GRCh38, 1-based): chr8:143,917,976, C>G on the plus strand (G>C on the coding strand, the complement: PLEC is on the minus strand). VCF-style: chr8-143917976-C-G. GRCh37 (hg19) VCF-style: chr8-144992144-C-G.
Other names: c.11926G>C, p.Val3976Leu (NM_000445.5); c.11803G>C, p.Val3935Leu (NM_201378.4); c.11779G>C, p.Val3927Leu (NM_201379.3); c.12256G>C, p.Val4086Leu (NM_201380.4); c.11749G>C, p.Val3917Leu (NM_201381.3); c.11845G>C, p.Val3949Leu (NM_201382.4); c.11857G>C, p.Val3953Leu (NM_201383.3); short protein forms V3917L, V3927L, V3935L, V3949L, V3953L, V3976L, V4086L.
Identifiers: ClinVar variation 500211 (VCV000500211.8), dbSNP rs1554673647, ClinGen allele CA372487927.

ClinVar aggregate classification (germline): Uncertain significance. Review status: criteria provided, multiple submitters, no conflicts (2 of 4 stars). 2 submissions from 2 submitters: Uncertain significance (2). Last evaluated 2024-10-07.

Conditions:
Epidermolysis bullosa simplex 5B, with muscular dystrophy (EBS5B). Also called: EPIDERMOLYSIS BULLOSA SIMPLEX AND LIMB-GIRDLE MUSCULAR DYSTROPHY; Epidermolysis bullosa simplex with muscular dystrophy. Identifiers: Orphanet 257, MedGen C2931072, MONDO:0009181, OMIM 226670.
Epidermolysis bullosa simplex, Ogna type (EBS5A). Also called: Pidermolysis bullosa simplex 5A, Ogna type; EPIDERMOLYSIS BULLOSA SIMPLEX 5A, OGNA TYPE. Identifiers: Orphanet 79401, MedGen C0432317, MONDO:0007555, OMIM 131950.
Autosomal recessive limb-girdle muscular dystrophy type 2Q (LGMDR17). Also called: MUSCULAR DYSTROPHY, LIMB-GIRDLE, AUTOSOMAL RECESSIVE 17. Identifiers: Orphanet 254361, MedGen C3150989, MONDO:0013390, OMIM 613723.
Epidermolysis bullosa simplex 5C, with pyloric atresia (EBS5C). Also called: Epidermolysis bullosa simplex with pyloric atresia; PLEC1-Related Epidermolysis Bullosa with Pyloric Atresia; PLEC-Related Epidermolysis Bullosa with Pyloric Atresia. Identifiers: Orphanet 158684, MedGen C2677349, MONDO:0012807, OMIM 612138.
Epidermolysis bullosa simplex with nail dystrophy (EBS5D). Identifiers: MedGen C4225309, MONDO:0014661, OMIM 616487.

Submissions (2):

Labcorp Genetics (formerly Invitae), Labcorp
Classification: Uncertain significance for Autosomal recessive limb-girdle muscular dystrophy type 2Q; Epidermolysis bullosa simplex, Ogna type; Epidermolysis bullosa simplex with nail dystrophy; Epidermolysis bullosa simplex 5C, with pyloric atresia; Epidermolysis bullosa simplex 5B, with muscular dystrophy. Last evaluated: 2024-10-07. Review status: criteria provided, single submitter. Criteria: Invitae Variant Classification Sherloc (09022015). Collection method: clinical testing. Allele origin: germline.
Comment: This sequence change replaces valine, which is neutral and non-polar, with leucine, which is neutral and non-polar, at codon 3976 of the PLEC protein (p.Val3976Leu). This variant is not present in population databases (gnomAD no frequency). This variant has not been reported in the literature in individuals affected with PLEC-related conditions. ClinVar contains an entry for this variant (Variation ID: 500211). Invitae Evidence Modeling of protein sequence and biophysical properties (such as structural, functional, and spatial information, amino acid conservation, physicochemical variation, residue mobility, and thermodynamic stability) indicates that this missense variant is not expected to disrupt PLEC protein function with a negative predictive value of 80%. In summary, the available evidence is currently insufficient to determine the role of this variant in disease. Therefore, it has been classified as a Variant of Uncertain Significance.

Eurofins Ntd Llc (ga)
Classification: Uncertain significance. Last evaluated: 2017-02-02. Review status: criteria provided, single submitter. Criteria: EGL Classification Definitions 2015. Collection method: clinical testing. Allele origin: germline. Observed: 1 variant allele, 1 heterozygote.